The following is an entry in ClinVar:

ClinVar aggregate classification (germline): Uncertain significance. Review status: criteria provided, single submitter (1 of 4 stars). 2 submissions from 2 submitters: Uncertain significance (1). 1 of the submissions does not count toward it. Last evaluated 2021-09-01.

Conditions:
Autism spectrum disorder - epilepsy - arthrogryposis syndrome (AMRS). Identifiers: Orphanet 370943, MedGen C3809910, MONDO:0014248, OMIM 615553.

Allele frequency attached by ClinVar (database versions not stated): gnomAD exomes 0.00001 and 0.00003; ExAC 0.00002.
gnomAD v4.1: 8 of 1,599,452 alleles (0.0005%); highest among the groups gnomAD compares: South Asian, 0.009%; no homozygotes.

Submissions (2):

Labcorp Genetics (formerly Invitae), Labcorp
Classification: Uncertain significance for Autism spectrum disorder - epilepsy - arthrogryposis syndrome. Last evaluated: 2021-09-01. Review status: criteria provided, single submitter. Criteria: Invitae Variant Classification Sherloc (09022015). Collection method: clinical testing. Allele origin: germline.
Comment: This sequence change replaces isoleucine with threonine at codon 93 of the SLC35A3 protein (p.Ile93Thr). The isoleucine residue is moderately conserved and there is a moderate physicochemical difference between isoleucine and threonine. This variant is present in population databases (rs775651587, ExAC 0.01%). This variant has not been reported in the literature in individuals affected with SLC35A3-related conditions. Algorithms developed to predict the effect of missense changes on protein structure and function are either unavailable or do not agree on the potential impact of this missense change (SIFT: "Deleterious"; PolyPhen-2: "Benign"; Align-GVGD: "Class C0"). In summary, the available evidence is currently insufficient to determine the role of this variant in disease. Therefore, it has been classified as a Variant of Uncertain Significance.

Natera, Inc.
Classification: Uncertain significance for Arthrogryposis, mental retardation, and seizures. Last evaluated: 2020-04-14. Review status: no assertion criteria provided. Collection method: clinical testing. Allele origin: germline. Not counted in ClinVar's aggregate classification.

NM_012243.3(SLC35A3):c.278T>C (p.Ile93Thr)

Gene: SLC35A3 (solute carrier family 35 member A3; plus strand). Cytogenetic location: 1p21.2.
Variant type: single nucleotide variant.
Coding change: c.278T>C on transcript NM_012243.3 (MANE Select); coding-DNA position 278, T replaced by C.
Protein change: p.Ile93Thr; replaces isoleucine 93 with threonine.
Molecular consequence: missense variant.
Genome position (GRCh38, 1-based): chr1:99,999,351, T>C. VCF-style: chr1-99999351-T-C. GRCh37 (hg19) VCF-style: chr1-100464907-T-C.
Other names: c.278T>C, p.Ile93Thr (NM_001271684.2); c.404T>C, p.Ile135Thr (NM_001271685.2); short protein forms I93T, I135T.
Identifiers: ClinVar variation 934617 (VCV000934617.9), dbSNP rs775651587, ClinGen allele CA967551.